The following is an entry in ClinVar:

NM_020987.5(ANK3):c.1819C>T (p.His607Tyr)

Gene: ANK3 (ankyrin 3; minus strand). Cytogenetic location: 10q21.2.
Variant type: single nucleotide variant.
Coding change: c.1819C>T on transcript NM_020987.5 (MANE Select); coding-DNA position 1819, C replaced by T.
Protein change: p.His607Tyr; replaces histidine 607 with tyrosine.
Molecular consequence: missense variant.
Genome position (GRCh38, 1-based): chr10:60,196,213, G>A on the plus strand (C>T on the coding strand, the complement: ANK3 is on the minus strand). VCF-style: chr10-60196213-G-A. GRCh37 (hg19) VCF-style: chr10-61955971-G-A.
Other names: c.1801C>T, p.His601Tyr (NM_001204403.2); c.1768C>T, p.His590Tyr (NM_001204404.2); c.1819C>T, p.His607Tyr (NM_001320874.2); short protein forms H607Y, H590Y, H601Y.
Identifiers: ClinVar variation 2043372 (VCV002043372.4), dbSNP rs2493359905, ClinGen allele CA376989005.
Genomic context (GRCh38, chr10:60,196,213, plus strand): 5'-CTGCGTGAGGTGAGGCTCCTTGGTCCAAAAGCAGAAGGGCCACTTTCTGATTATCGTAAT[G>A]TGCAGCTACATGCAGTGGTGTTAGCCCGCTCTGAAAACACGTGCAGAAACAACAACCAGT-3'
Protein context (NP_066267.2, residues 597-617): SGLTPLHVAA[His607Tyr]YDNQKVALLL

ClinVar aggregate classification (germline): Uncertain significance (1 of 4 stars; one submission).

Allele frequency attached by ClinVar (database versions not stated): gnomAD exomes below 0.00001.
gnomAD v4.1: 6 of 1,614,072 alleles (0.00037%); highest among the groups gnomAD compares: Non-Finnish European, 0.00051%; no homozygotes.

Submission:

Labcorp Genetics (formerly Invitae), Labcorp
Classification: Uncertain significance. Last evaluated: 2021-12-15. Review status: criteria provided, single submitter. Criteria: Invitae Variant Classification Sherloc (09022015). Collection method: clinical testing. Allele origin: germline.
Comment: This sequence change replaces histidine, which is basic and polar, with tyrosine, which is neutral and polar, at codon 607 of the ANK3 protein (p.His607Tyr). This variant is not present in population databases (gnomAD no frequency). This variant has not been reported in the literature in individuals affected with ANK3-related conditions. Algorithms developed to predict the effect of missense changes on protein structure and function are either unavailable or do not agree on the potential impact of this missense change (SIFT: "Not Available"; PolyPhen-2: "Probably Damaging"; Align-GVGD: "Not Available"). In summary, the available evidence is currently insufficient to determine the role of this variant in disease. Therefore, it has been classified as a Variant of Uncertain Significance.